The following is an entry in ClinVar:

ClinVar aggregate classification (germline): Uncertain significance (1 of 4 stars; one submission).

gnomAD v4.1: 1 of 1,614,136 alleles (0.000062%); no homozygotes.

Submission:

Labcorp Genetics (formerly Invitae), Labcorp
Classification: Uncertain significance. Last evaluated: 2022-05-17. Review status: criteria provided, single submitter. Criteria: Invitae Variant Classification Sherloc (09022015). Collection method: clinical testing. Allele origin: germline.
Comment: This sequence change replaces alanine, which is neutral and non-polar, with serine, which is neutral and polar, at codon 999 of the LIFR protein (p.Ala999Ser). This variant is not present in population databases (gnomAD no frequency). This variant has not been reported in the literature in individuals affected with LIFR-related conditions. Algorithms developed to predict the effect of missense changes on protein structure and function output the following: SIFT: "Deleterious"; PolyPhen-2: "Benign"; Align-GVGD: "Class C65". The serine amino acid residue is found in multiple mammalian species, which suggests that this missense change does not adversely affect protein function. Algorithms developed to predict the effect of sequence changes on RNA splicing suggest that this variant may create or strengthen a splice site. In summary, the available evidence is currently insufficient to determine the role of this variant in disease. Therefore, it has been classified as a Variant of Uncertain Significance.

NM_001127671.2(LIFR):c.2995G>T (p.Ala999Ser)

Gene: LIFR (LIF receptor subunit alpha; minus strand). Cytogenetic location: 5p13.1.
Variant type: single nucleotide variant.
Coding change: c.2995G>T on transcript NM_001127671.2 (MANE Select); coding-DNA position 2995, G replaced by T.
Protein change: p.Ala999Ser; replaces alanine 999 with serine.
Molecular consequence: missense variant.
Genome position (GRCh38, 1-based): chr5:38,481,894, C>A on the plus strand (G>T on the coding strand, the complement: LIFR is on the minus strand). VCF-style: chr5-38481894-C-A. GRCh37 (hg19) VCF-style: chr5-38481996-C-A.
Other names: c.2995G>T, p.Ala999Ser (NM_001364297.2, NM_002310.6); c.2962G>T, p.Ala988Ser (NM_001364298.2); short protein forms A988S, A999S.
Identifiers: ClinVar variation 2193868 (VCV002193868.1), dbSNP rs2530934672, ClinGen allele CA359533773.